The following is an entry in ClinVar:

NM_004415.4(DSP):c.302T>G (p.Leu101Arg)

Gene: DSP (desmoplakin; plus strand). Cytogenetic location: 6p24.3.
Variant type: single nucleotide variant.
Coding change: c.302T>G on transcript NM_004415.4 (MANE Select); coding-DNA position 302, T replaced by G.
Protein change: p.Leu101Arg; replaces leucine 101 with arginine.
Molecular consequence: missense variant.
Genome position (GRCh38, 1-based): chr6:7,558,144, T>G. VCF-style: chr6-7558144-T-G. GRCh37 (hg19) VCF-style: chr6-7558377-T-G.
Other names: c.302T>G, p.Leu101Arg (NM_001008844.3, NM_001319034.2, NM_001406591.1); short protein forms L101R.
Identifiers: ClinVar variation 2453251 (VCV002453251.2), dbSNP rs1758556279, ClinGen allele CA362671158.

ClinVar aggregate classification (germline): Uncertain significance (1 of 4 stars; one submission).

Conditions:
Cardiovascular phenotype. Identifiers: MedGen CN230736.

Submission:

Ambry Genetics
Classification: Uncertain significance for Cardiovascular phenotype. Last evaluated: 2023-01-05. Review status: criteria provided, single submitter. Criteria: Ambry Variant Classification Scheme 2023. Collection method: clinical testing. Allele origin: germline.
Comment: The p.L101R variant (also known as c.302T>G), located in coding exon 3 of the DSP gene, results from a T to G substitution at nucleotide position 302. The leucine at codon 101 is replaced by arginine, an amino acid with dissimilar properties. This amino acid position is conserved. In addition, the in silico prediction for this alteration is inconclusive. Since supporting evidence is limited at this time, the clinical significance of this alteration remains unclear.